The following is an entry in ClinVar:

ClinVar aggregate classification (germline): Likely benign (1 of 4 stars; one submission).

Allele frequency attached by ClinVar (database versions not stated): gnomAD 0.00003 and 0.00004; TOPMed 0.00010.
gnomAD v4.1: 13 of 1,548,304 alleles (0.00084%); highest among the groups gnomAD compares: Admixed American, 0.014%; no homozygotes.

Submission:

Laboratory for Molecular Medicine, Mass General Brigham Personalized Medicine
Classification: Likely benign. Last evaluated: 2015-04-28. Review status: criteria provided, single submitter. Criteria: LMM Criteria. Collection method: clinical testing. Allele origin: germline. Observed: 2 variant alleles.
Comment: c.1379-8C>T in intron 11 of OTOG: This variant is not expected to have clinical significance because a C>T change at this position does not diverge from the spl ice consensus and is therefore unlikely to impact splicing.

NM_001292063.2(OTOG):c.1343-8C>T

Gene: OTOG (otogelin; plus strand). Cytogenetic location: 11p15.1.
Variant type: single nucleotide variant.
Coding change: c.1343-8C>T on transcript NM_001292063.2 (MANE Select); 8 bases into the intron before coding-DNA position 1343, C replaced by T.
Molecular consequence: intron variant.
Genome position (GRCh38, 1-based): chr11:17,560,701, C>T. VCF-style: chr11-17560701-C-T. GRCh37 (hg19) VCF-style: chr11-17582248-C-T.
Other names: c.1379-8C>T (NM_001277269.2).
Identifiers: ClinVar variation 227764 (VCV000227764.5), dbSNP rs876657551, ClinGen allele CA10576857.